The following is an entry in ClinVar:

ClinVar aggregate classification (germline): Uncertain significance. Review status: criteria provided, multiple submitters, no conflicts (2 of 4 stars). 2 submissions from 2 submitters: Uncertain significance (2). Last evaluated 2026-01-28.

Conditions:
PLEC-related disorder. Also called: PLEC-related disorders; PLEC-related condition.
Inborn genetic diseases. Identifiers: MedGen C0950123, MeSH D030342.

Submissions (2):

PreventionGenetics, part of Exact Sciences
Classification: Uncertain significance for PLEC-related condition. Last evaluated: 2026-01-28. Review status: criteria provided, single submitter. Criteria: ACMG Guidelines, 2015. Collection method: clinical testing. Allele origin: germline.
Comment: The PLEC c.5302C>G variant is predicted to result in the amino acid substitution p.Arg1768Gly. To our knowledge, this variant has not been reported in the literature or in a large population database (gnomAD), indicating this variant is rare. At this time, the clinical significance of this variant is uncertain due to the absence of conclusive functional and genetic evidence.

Ambry Genetics
Classification: Uncertain significance for Inborn genetic diseases. Last evaluated: 2024-05-10. Review status: criteria provided, single submitter. Criteria: Ambry Variant Classification Scheme 2023. Collection method: clinical testing. Allele origin: germline.

NM_201384.3(PLEC):c.5221C>G (p.Arg1741Gly)

Gene: PLEC (plectin; minus strand). Cytogenetic location: 8q24.3.
Variant type: single nucleotide variant.
Coding change: c.5221C>G on transcript NM_201384.3 (MANE Select); coding-DNA position 5221, C replaced by G.
Protein change: p.Arg1741Gly; replaces arginine 1741 with glycine.
Molecular consequence: missense variant. On other transcripts: intron variant (1).
Genome position (GRCh38, 1-based): chr8:143,924,708, G>C on the plus strand (C>G on the coding strand, the complement: PLEC is on the minus strand). VCF-style: chr8-143924708-G-C. GRCh37 (hg19) VCF-style: chr8-144998876-G-C.
Other names: c.5302C>G (NM_000445.4); c.5302C>G, p.Arg1768Gly (NM_000445.5); c.5179C>G, p.Arg1727Gly (NM_201378.4); c.5155C>G, p.Arg1719Gly (NM_201379.3); c.5632C>G, p.Arg1878Gly (NM_201380.4); c.5125C>G, p.Arg1709Gly (NM_201381.3); c.5221C>G, p.Arg1741Gly (NM_201382.4); c.5233C>G, p.Arg1745Gly (NM_201383.3); and 1 more; short protein forms R1709G, R1745G, R1768G, R1878G, R1719G, R1727G, R1741G.
Identifiers: ClinVar variation 3307466 (VCV003307466.2).